The following is an entry in ClinVar:

NM_001378454.1(ALMS1):c.5912C>A (p.Ser1971Tyr)

Gene: ALMS1 (ALMS1 centrosome and basal body associated protein; plus strand). Cytogenetic location: 2p13.1.
Variant type: single nucleotide variant.
Coding change: c.5912C>A on transcript NM_001378454.1 (MANE Select); coding-DNA position 5912, C replaced by A.
Protein change: p.Ser1971Tyr; replaces serine 1971 with tyrosine.
Molecular consequence: missense variant.
Genome position (GRCh38, 1-based): chr2:73,452,439, C>A. VCF-style: chr2-73452439-C-A. GRCh37 (hg19) VCF-style: chr2-73679566-C-A.
Other names: c.5915C>A, p.Ser1972Tyr (NM_015120.4); short protein forms S1971Y, S1972Y.
Identifiers: ClinVar variation 2438997 (VCV002438997.4), dbSNP rs1370702094, ClinGen allele CA347283884.
Genomic context (GRCh38, chr2:73,452,439, plus strand): 5'-CTCAACAGGAGTTGCCAGACAGTCATCTCACAGAAGAGGCTCTGAAAGTTTCACCTGTTT[C>A]TATACCAGCAGAGCAGAAGACTGGGATACCAATAGGACTGTCTAGTTCCTACTCACATTC-3'
Protein context (NP_001365383.1, residues 1961-1981): TEEALKVSPV[Ser1971Tyr]IPAEQKTGIP

ClinVar aggregate classification (germline): Uncertain significance. Review status: criteria provided, multiple submitters, no conflicts (2 of 4 stars). 2 submissions from 2 submitters: Uncertain significance (2). Last evaluated 2023-05-22.

Conditions:
ALMS1-related disorder. Also called: ALMS1-related condition.
Alstrom syndrome (ALMS). Identifiers: Orphanet 64, MedGen C0268425, MONDO:0008763, OMIM 203800.

Allele frequency attached by ClinVar (database versions not stated): gnomAD 0.00001.
gnomAD v4.1: 1 of 1,613,902 alleles (0.000062%); no homozygotes.

Submissions (2):

PreventionGenetics, part of Exact Sciences
Classification: Uncertain significance for ALMS1-related condition. Last evaluated: 2023-05-22. Review status: criteria provided, single submitter. Criteria: ACMG Guidelines, 2015. Collection method: clinical testing. Allele origin: germline.
Comment: The ALMS1 c.5915C>A variant is predicted to result in the amino acid substitution p.Pro1972Gln. This variant was reported as a variant of uncertain significance in a large cohort study of pediatric cardiomyopathy (Supp. Table 2, reported as p.Pro1974Gln in Burstein. 2021. PubMed ID: 32746448). This variant is reported in 0.048% of alleles in individuals of Ashkenazi Jewish descent in gnomAD. At this time, the clinical significance of this variant is uncertain due to the absence of conclusive functional and genetic evidence.

Revvity Omics, Revvity
Classification: Uncertain significance for Alstrom syndrome. Last evaluated: 2021-11-15. Review status: criteria provided, single submitter. Criteria: ACMG Guidelines, 2015. Collection method: clinical testing. Allele origin: germline.